The following is an entry in ClinVar:

NM_001008537.3(NEXMIF):c.3347G>C (p.Cys1116Ser)

Gene: NEXMIF (neurite extension and migration factor; minus strand). Cytogenetic location: Xq13.3.
Variant type: single nucleotide variant.
Coding change: c.3347G>C on transcript NM_001008537.3 (MANE Select); coding-DNA position 3347, G replaced by C.
Protein change: p.Cys1116Ser; replaces cysteine 1116 with serine.
Molecular consequence: missense variant.
Genome position (GRCh38, 1-based): chrX:74,741,210, C>G on the plus strand (G>C on the coding strand, the complement: NEXMIF is on the minus strand). VCF-style: chrX-74741210-C-G. GRCh37 (hg19) VCF-style: chrX-73961045-C-G.
Other names: short protein forms C1116S.
Identifiers: ClinVar variation 1008249 (VCV001008249.10), dbSNP rs2080102020, ClinGen allele CA413666158.

ClinVar aggregate classification (germline): Conflicting classifications of pathogenicity. Review status: criteria provided, conflicting classifications (1 of 4 stars). 2 submissions from 2 submitters: Uncertain significance (1); Likely benign (1). Last evaluated 2025-07-12.

Submissions (2):

GeneDx
Classification: Uncertain significance. Last evaluated: 2025-07-12. Review status: criteria provided, single submitter. Criteria: GeneDx Variant Classification Process June 2021. Collection method: clinical testing. Allele origin: germline. Affected: yes.
Comment: Not observed at significant frequency in large population cohorts (gnomAD); In silico analysis supports that this missense variant has a deleterious effect on protein structure/function; Has not been previously published as pathogenic or benign to our knowledge

Labcorp Genetics (formerly Invitae), Labcorp
Classification: Likely benign. Last evaluated: 2024-05-22. Review status: criteria provided, single submitter. Criteria: Invitae Variant Classification Sherloc (09022015). Collection method: clinical testing. Allele origin: germline.